The following is an entry in ClinVar:

NM_004204.5(PIGQ):c.473G>A (p.Ser158Asn)

Gene: PIGQ (phosphatidylinositol glycan anchor biosynthesis class Q; plus strand). Cytogenetic location: 16p13.3.
Variant type: single nucleotide variant.
Coding change: c.473G>A on transcript NM_004204.5 (MANE Select); coding-DNA position 473, G replaced by A.
Protein change: p.Ser158Asn; replaces serine 158 with asparagine.
Molecular consequence: missense variant.
Genome position (GRCh38, 1-based): chr16:574,547, G>A. VCF-style: chr16-574547-G-A. GRCh37 (hg19) VCF-style: chr16-624547-G-A.
Other names: c.473G>A, p.Ser158Asn (NM_148920.4); short protein forms S158N.
Identifiers: ClinVar variation 456048 (VCV000456048.6), dbSNP rs201595639, ClinGen allele CA7779875.

ClinVar aggregate classification (germline): Uncertain significance (1 of 4 stars; one submission).

Conditions:
Epilepsy. Also called: Seizure disorder. Identifiers: MedGen C0014544, MeSH D004827, MONDO:0005027.

Allele frequency attached by ClinVar (database versions not stated): gnomAD 0.00001 and 0.00004; ExAC 0.00002; 1000 Genomes Project 30x 0.00062; 1000 Genomes Project 0.00080; gnomAD exomes 0.00002 and 0.00003; TOPMed 0.00002.
gnomAD v4.1: 17 of 1,604,666 alleles (0.0011%); highest among the groups gnomAD compares: East Asian, 0.036%; 1 homozygote.

Submission:

Labcorp Genetics (formerly Invitae), Labcorp
Classification: Uncertain significance for Epilepsy. Last evaluated: 2022-08-22. Review status: criteria provided, single submitter. Criteria: Invitae Variant Classification Sherloc (09022015). Collection method: clinical testing. Allele origin: germline.
Comment: This sequence change replaces serine, which is neutral and polar, with asparagine, which is neutral and polar, at codon 158 of the PIGQ protein (p.Ser158Asn). The frequency data for this variant in the population databases is considered unreliable, as metrics indicate poor data quality at this position in the gnomAD database. This variant has not been reported in the literature in individuals affected with PIGQ-related conditions. ClinVar contains an entry for this variant (Variation ID: 456048). Algorithms developed to predict the effect of missense changes on protein structure and function (SIFT, PolyPhen-2, Align-GVGD) all suggest that this variant is likely to be tolerated. In summary, the available evidence is currently insufficient to determine the role of this variant in disease. Therefore, it has been classified as a Variant of Uncertain Significance.